The following is an entry in ClinVar:

ClinVar aggregate classification (germline): Uncertain significance. Review status: criteria provided, multiple submitters, no conflicts (2 of 4 stars). 3 submissions from 3 submitters: Uncertain significance (3). Last evaluated 2026-07-07.

Conditions:
IFT81-related disorder. Also called: IFT81-related condition.

Allele frequency attached by ClinVar (database versions not stated): gnomAD exomes 0.00001 and 0.00003; ExAC 0.00002; gnomAD 0.00002; TOPMed 0.00002.
gnomAD v4.1: 24 of 1,610,190 alleles (0.0015%); highest among the groups gnomAD compares: Admixed American, 0.013%; no homozygotes.

Submissions (3):

PreventionGenetics, part of Exact Sciences
Classification: Uncertain significance for IFT81-related condition. Last evaluated: 2026-07-07. Review status: criteria provided, single submitter. Criteria: ACMG Guidelines, 2015. Collection method: clinical testing. Allele origin: germline.
Comment: The IFT81 c.1276G>A variant is predicted to result in the amino acid substitution p.Gly426Ser. To our knowledge, this variant has not been reported in the literature. This variant is reported in 0.020% of alleles in individuals of Latino descent in gnomAD. At this time, the clinical significance of this variant is uncertain due to the absence of conclusive functional and genetic evidence.

Labcorp Genetics (formerly Invitae), Labcorp
Classification: Uncertain significance. Last evaluated: 2026-01-12. Review status: criteria provided, single submitter. Criteria: Invitae Variant Classification Sherloc (09022015). Collection method: clinical testing. Allele origin: germline.
Comment: This sequence change replaces glycine, which is neutral and non-polar, with serine, which is neutral and polar, at codon 426 of the IFT81 protein (p.Gly426Ser). This variant is present in population databases (rs767006354, gnomAD 0.02%). This variant has not been reported in the literature in individuals affected with IFT81-related conditions. ClinVar contains an entry for this variant (Variation ID: 854109). Invitae Evidence Modeling of protein sequence and biophysical properties (such as structural, functional, and spatial information, amino acid conservation, physicochemical variation, residue mobility, and thermodynamic stability) indicates that this missense variant is not expected to disrupt IFT81 protein function with a negative predictive value of 80%. In summary, the available evidence is currently insufficient to determine the role of this variant in disease. Therefore, it has been classified as a Variant of Uncertain Significance.

Breakthrough Genomics
Classification: Uncertain significance. Review status: criteria provided, single submitter. Criteria: ACMG Guidelines, 2015. Collection method: not provided. Allele origin: germline. Inheritance: Autosomal recessive inheritance. Affected: yes.

NM_014055.4(IFT81):c.1276G>A (p.Gly426Ser)

Gene: IFT81 (intraflagellar transport 81; plus strand). Cytogenetic location: 12q24.11.
Variant type: single nucleotide variant.
Coding change: c.1276G>A on transcript NM_014055.4 (MANE Select); coding-DNA position 1276, G replaced by A.
Protein change: p.Gly426Ser; replaces glycine 426 with serine.
Molecular consequence: missense variant. On other transcripts: non-coding transcript variant (4).
Genome position (GRCh38, 1-based): chr12:110,180,509, G>A. VCF-style: chr12-110180509-G-A. GRCh37 (hg19) VCF-style: chr12-110618314-G-A.
Other names: c.1276G>A, p.Gly426Ser (NM_001143779.2); c.346G>A, p.Gly116Ser (NM_001347947.2, NM_001347948.2); short protein forms G426S, G116S.
Identifiers: ClinVar variation 854109 (VCV000854109.7), dbSNP rs767006354, ClinGen allele CA6783321.